The following is an entry in ClinVar:

NM_198253.3(TERT):c.770C>G (p.Ala257Gly)

Gene: TERT (telomerase reverse transcriptase; minus strand). Cytogenetic location: 5p15.33.
Variant type: single nucleotide variant.
Coding change: c.770C>G on transcript NM_198253.3 (MANE Select); coding-DNA position 770, C replaced by G.
Protein change: p.Ala257Gly; replaces alanine 257 with glycine.
Molecular consequence: missense variant. On other transcripts: non-coding transcript variant (2).
Genome position (GRCh38, 1-based): chr5:1,294,116, G>C on the plus strand (C>G on the coding strand, the complement: TERT is on the minus strand). VCF-style: chr5-1294116-G-C. GRCh37 (hg19) VCF-style: chr5-1294231-G-C.
Other names: c.770C>G, p.Ala257Gly (NM_001193376.3); short protein forms A257G.
Identifiers: ClinVar variation 949339 (VCV000949339.11), dbSNP rs746814762, ClinGen allele CA3184918.

ClinVar aggregate classification (germline): Uncertain significance. Review status: criteria provided, multiple submitters, no conflicts (2 of 4 stars). 2 submissions from 2 submitters: Uncertain significance (2). Last evaluated 2024-12-17.

Conditions:
Idiopathic Pulmonary Fibrosis. Also called: Idiopathic fibrosing alveolitis, chronic form; idiopathic fibrosing alveolitis. Identifiers: Orphanet 2032, MedGen C1800706, MeSH D054990, MONDO:0800504.
Dyskeratosis congenita, autosomal dominant 2. Identifiers: MedGen C3151443, MONDO:0013521, OMIM 613989.
Dyskeratosis congenita. Identifiers: Orphanet 1775, MedGen C0265965, MONDO:0015780.

Allele frequency attached by ClinVar (database versions not stated): gnomAD exomes below 0.00001 and 0.00001; TOPMed below 0.00001; ExAC 0.00002.
gnomAD v4.1: 2 of 1,584,270 alleles (0.00013%); highest among the groups gnomAD compares: Non-Finnish European, 0.00017%; no homozygotes.

Submissions (2):

Ambry Genetics
Classification: Uncertain significance for Dyskeratosis congenita. Last evaluated: 2024-12-17. Review status: criteria provided, single submitter. Criteria: Ambry Variant Classification Scheme 2023. Collection method: clinical testing. Allele origin: germline.
Comment: The p.A257G variant (also known as c.770C>G), located in coding exon 2 of the TERT gene, results from a C to G substitution at nucleotide position 770. The alanine at codon 257 is replaced by glycine, an amino acid with similar properties. This amino acid position is conserved. In addition, this alteration is predicted to be tolerated by in silico analysis. Based on the available evidence, the clinical significance of this variant remains unclear.

Labcorp Genetics (formerly Invitae), Labcorp
Classification: Uncertain significance for Dyskeratosis congenita, autosomal dominant 2; Idiopathic Pulmonary Fibrosis. Last evaluated: 2023-06-09. Review status: criteria provided, single submitter. Criteria: Invitae Variant Classification Sherloc (09022015). Collection method: clinical testing. Allele origin: germline.
Comment: In summary, the available evidence is currently insufficient to determine the role of this variant in disease. Therefore, it has been classified as a Variant of Uncertain Significance. Advanced modeling of protein sequence and biophysical properties (such as structural, functional, and spatial information, amino acid conservation, physicochemical variation, residue mobility, and thermodynamic stability) performed at Invitae indicates that this missense variant is expected to disrupt TERT protein function. ClinVar contains an entry for this variant (Variation ID: 949339). This variant has not been reported in the literature in individuals affected with TERT-related conditions. This variant is present in population databases (rs746814762, gnomAD 0.003%). This sequence change replaces alanine, which is neutral and non-polar, with glycine, which is neutral and non-polar, at codon 257 of the TERT protein (p.Ala257Gly).